The following is an entry in ClinVar:

NM_025179.4(PLXNA2):c.4513G>A (p.Val1505Ile)

Gene: PLXNA2 (plexin A2; minus strand). Cytogenetic location: 1q32.2.
Variant type: single nucleotide variant.
Coding change: c.4513G>A on transcript NM_025179.4 (MANE Select); coding-DNA position 4513, G replaced by A.
Protein change: p.Val1505Ile; replaces valine 1505 with isoleucine.
Molecular consequence: missense variant.
Genome position (GRCh38, 1-based): chr1:208,038,972, C>T on the plus strand (G>A on the coding strand, the complement: PLXNA2 is on the minus strand). VCF-style: chr1-208038972-C-T. GRCh37 (hg19) VCF-style: chr1-208212317-C-T.
Other names: c.4513G>A (NM_025179.3); short protein forms V1505I.
Identifiers: ClinVar variation 1351961 (VCV001351961.9), dbSNP rs200203717, ClinGen allele CA1372851.

ClinVar aggregate classification (germline): Uncertain significance. Review status: criteria provided, multiple submitters, no conflicts (2 of 4 stars). 3 submissions from 3 submitters: Uncertain significance (3). Last evaluated 2026-03-06.

Conditions:
PLXNA2-related disorder. Also called: PLXNA2-related condition.

Allele frequency attached by ClinVar (database versions not stated): gnomAD 0.00005; TOPMed 0.00005; ExAC 0.00006; gnomAD exomes 0.00006; ESP Exome Variant Server 0.00008; 1000 Genomes Project 30x 0.00016; 1000 Genomes Project 0.00020.
gnomAD v4.1: 94 of 1,613,812 alleles (0.0058%); highest among the groups gnomAD compares: East Asian, 0.0089%; no homozygotes.

Submissions (3):

PreventionGenetics, part of Exact Sciences
Classification: Uncertain significance for PLXNA2-related condition. Last evaluated: 2026-03-06. Review status: criteria provided, single submitter. Criteria: ACMG Guidelines, 2015. Collection method: clinical testing. Allele origin: germline.
Comment: The PLXNA2 c.4513G>A variant is predicted to result in the amino acid substitution p.Val1505Ile. To our knowledge, this variant has not been reported in the literature. This variant is reported in 0.0098% of alleles in individuals of South Asian descent in gnomAD. At this time, the clinical significance of this variant is uncertain due to the absence of conclusive functional and genetic evidence.

Ambry Genetics
Classification: Uncertain significance. Last evaluated: 2025-10-07. Review status: criteria provided, single submitter. Criteria: Ambry Variant Classification Scheme 2023. Collection method: clinical testing. Allele origin: germline.

Labcorp Genetics (formerly Invitae), Labcorp
Classification: Uncertain significance. Last evaluated: 2023-04-24. Review status: criteria provided, single submitter. Criteria: Invitae Variant Classification Sherloc (09022015). Collection method: clinical testing. Allele origin: germline.
Comment: In summary, the available evidence is currently insufficient to determine the role of this variant in disease. Therefore, it has been classified as a Variant of Uncertain Significance. Advanced modeling of protein sequence and biophysical properties (such as structural, functional, and spatial information, amino acid conservation, physicochemical variation, residue mobility, and thermodynamic stability) performed at Invitae indicates that this missense variant is not expected to disrupt PLXNA2 protein function. ClinVar contains an entry for this variant (Variation ID: 1351961). This variant has not been reported in the literature in individuals affected with PLXNA2-related conditions. This variant is present in population databases (rs200203717, gnomAD 0.01%). This sequence change replaces valine, which is neutral and non-polar, with isoleucine, which is neutral and non-polar, at codon 1505 of the PLXNA2 protein (p.Val1505Ile).